The following is an entry in ClinVar:

NM_000277.3(PAH):c.956A>G (p.Glu319Gly)

Gene: PAH (phenylalanine hydroxylase; minus strand). Cytogenetic location: 12q23.2.
Variant type: single nucleotide variant.
Coding change: c.956A>G on transcript NM_000277.3 (MANE Select); coding-DNA position 956, A replaced by G.
Protein change: p.Glu319Gly; replaces glutamic acid 319 with glycine.
Molecular consequence: missense variant.
Genome position (GRCh38, 1-based): chr12:102,846,908, T>C on the plus strand (A>G on the coding strand, the complement: PAH is on the minus strand). VCF-style: chr12-102846908-T-C. GRCh37 (hg19) VCF-style: chr12-103240686-T-C.
Other names: c.956A>G, p.Glu319Gly (NM_001354304.2); short protein forms E319G.
Identifiers: ClinVar variation 806927 (VCV000806927.44), dbSNP rs1592949408, ClinGen allele CA386291573.

ClinVar aggregate classification (germline): Conflicting classifications of pathogenicity. Review status: criteria provided, conflicting classifications (1 of 4 stars). 2 submissions from 2 submitters: Likely pathogenic (1); Uncertain significance (1). Last evaluated 2024-02-07.

Conditions:
Phenylketonuria (PKU). Also called: FOLLING DISEASE; Phenylketonurias; Phenylketonuria (PKU); OLIGOPHRENIA PHENYLPYRUVICA. Identifiers: Orphanet 716, MedGen C0031485, MONDO:0009861, OMIM 261600. Disease mechanism: loss of function.

Allele frequency attached by ClinVar (database versions not stated): gnomAD exomes below 0.00001.
gnomAD v4.1: 3 of 1,613,602 alleles (0.00019%); highest among the groups gnomAD compares: Non-Finnish European, 0.00025%; no homozygotes.

Submissions (2):

Labcorp Genetics (formerly Invitae), Labcorp
Classification: Uncertain significance for Phenylketonuria. Last evaluated: 2024-02-07. Review status: criteria provided, single submitter. Criteria: Invitae Variant Classification Sherloc (09022015). Collection method: clinical testing. Allele origin: germline.
Comment: This sequence change replaces glutamic acid, which is acidic and polar, with glycine, which is neutral and non-polar, at codon 319 of the PAH protein (p.Glu319Gly). This variant is not present in population databases (gnomAD no frequency). This variant has not been reported in the literature in individuals affected with PAH-related conditions. ClinVar contains an entry for this variant (Variation ID: 806927). Advanced modeling of protein sequence and biophysical properties (such as structural, functional, and spatial information, amino acid conservation, physicochemical variation, residue mobility, and thermodynamic stability) performed at Invitae indicates that this missense variant is not expected to disrupt PAH protein function with a negative predictive value of 80%. In summary, the available evidence is currently insufficient to determine the role of this variant in disease. Therefore, it has been classified as a Variant of Uncertain Significance.

CeGaT Center for Human Genetics Tuebingen
Classification: Likely pathogenic. Last evaluated: 2019-05-01. Review status: criteria provided, single submitter. Criteria: CeGaT Center For Human Genetics Tuebingen Variant Classification Criteria Version 2. Collection method: clinical testing. Allele origin: germline. Affected: yes. Observed: 1 variant allele.